The following is an entry in ClinVar:

ClinVar aggregate classification (germline): Uncertain significance (1 of 4 stars; one submission).

gnomAD v4.1: 1 of 1,614,238 alleles (0.000062%); highest among the groups gnomAD compares: African/African-American, 0.0013%; no homozygotes.

Submission:

GeneDx
Classification: Uncertain significance. Last evaluated: 2023-01-06. Review status: criteria provided, single submitter. Criteria: GeneDx Variant Classification Process June 2021. Collection method: clinical testing. Allele origin: germline. Affected: yes.
Comment: Not observed at significant frequency in large population cohorts (gnomAD); In silico analysis supports that this missense variant has a deleterious effect on protein structure/function; Has not been previously published as pathogenic or benign to our knowledge

NM_002471.4(MYH6):c.694G>T (p.Gly232Cys)

Gene: MYH6 (myosin heavy chain 6; minus strand). Cytogenetic location: 14q11.2.
Variant type: single nucleotide variant.
Coding change: c.694G>T on transcript NM_002471.4 (MANE Select); coding-DNA position 694, G replaced by T.
Protein change: p.Gly232Cys; replaces glycine 232 with cysteine.
Molecular consequence: missense variant.
Genome position (GRCh38, 1-based): chr14:23,404,337, C>A on the plus strand (G>T on the coding strand, the complement: MYH6 is on the minus strand). VCF-style: chr14-23404337-C-A. GRCh37 (hg19) VCF-style: chr14-23873546-C-A.
Other names: short protein forms G232C.
Identifiers: ClinVar variation 2571871 (VCV002571871.1), dbSNP rs587782960, ClinGen allele CA257796482.